The following is an entry in ClinVar:

ClinVar aggregate classification (germline): Uncertain significance (1 of 4 stars; one submission).

Conditions:
Hereditary antithrombin deficiency (AT3D). Also called: Antithrombin III deficiency; Thrombophilia due to antithrombin III deficiency; Antithrombin deficiency; Reduced antithrombin III activity. Identifiers: Orphanet 82, MedGen C0272375, MONDO:0013144, OMIM 613118, HP:0001976.

Submission:

Labcorp Genetics (formerly Invitae), Labcorp
Classification: Uncertain significance for Hereditary antithrombin deficiency. Last evaluated: 2025-08-15. Review status: criteria provided, single submitter. Criteria: Invitae Variant Classification Sherloc (09022015). Collection method: clinical testing. Allele origin: germline.
Comment: This sequence change replaces cysteine, which is neutral and slightly polar, with tryptophan, which is neutral and slightly polar, at codon 32 of the SERPINC1 protein (p.Cys32Trp). This variant is not present in population databases (gnomAD no frequency). This missense change has been observed in individual(s) with antithrombin deficiency (internal data). Invitae Evidence Modeling of protein sequence and biophysical properties (such as structural, functional, and spatial information, amino acid conservation, physicochemical variation, residue mobility, and thermodynamic stability) has been performed for this missense variant. However, the output from this modeling did not meet the statistical confidence thresholds required to predict the impact of this variant on SERPINC1 protein function. This variant disrupts the p.Cys32 amino acid residue in SERPINC1. Other variant(s) that disrupt this residue have been observed in individuals with SERPINC1-related conditions (PMID: 9759613, 38474138), which suggests that this may be a clinically significant amino acid residue. In summary, the available evidence is currently insufficient to determine the role of this variant in disease. Therefore, it has been classified as a Variant of Uncertain Significance.

Literature cited by the submitters: PubMed 9759613; PubMed 38474138.

NM_000488.4(SERPINC1):c.96T>G (p.Cys32Trp)

Gene: SERPINC1 (serpin family C member 1; minus strand). Cytogenetic location: 1q25.1.
Variant type: single nucleotide variant.
Coding change: c.96T>G on transcript NM_000488.4 (MANE Select); coding-DNA position 96, T replaced by G.
Protein change: p.Cys32Trp; replaces cysteine 32 with tryptophan.
Molecular consequence: missense variant. On other transcripts: 5 prime UTR variant (1).
Genome position (GRCh38, 1-based): chr1:173,914,865, A>C on the plus strand (T>G on the coding strand, the complement: SERPINC1 is on the minus strand). VCF-style: chr1-173914865-A-C. GRCh37 (hg19) VCF-style: chr1-173884003-A-C.
Other names: c.-49T>G (NM_001365052.2); c.96T>G, p.Cys32Trp (NM_001386302.1, NM_001386304.1, NM_001386305.1 and 1 more transcripts); c.177T>G, p.Cys59Trp (NM_001386303.1); short protein forms C32W, C59W.
Identifiers: ClinVar variation 4747562 (VCV004747562.1).